The following is an entry in ClinVar:

ClinVar aggregate classification (germline): Uncertain significance (1 of 4 stars; one submission).

Conditions:
Familial cold autoinflammatory syndrome 3 (FCAS3). Also called: FAMILIAL ATYPICAL COLD URTICARIA; ANTIBODY DEFICIENCY AND IMMUNE DYSREGULATION, PLCG2-ASSOCIATED. Identifiers: Orphanet 300359, MedGen C3280914, MONDO:0013766, OMIM 614468.

gnomAD v4.1: 2 of 1,614,062 alleles (0.00012%); highest among the groups gnomAD compares: South Asian, 0.0011%; no homozygotes.

Submission:

Labcorp Genetics (formerly Invitae), Labcorp
Classification: Uncertain significance for Familial cold autoinflammatory syndrome 3. Last evaluated: 2024-04-03. Review status: criteria provided, single submitter. Criteria: Invitae Variant Classification Sherloc (09022015). Collection method: clinical testing. Allele origin: germline.
Comment: This sequence change replaces arginine, which is basic and polar, with tryptophan, which is neutral and slightly polar, at codon 1206 of the PLCG2 protein (p.Arg1206Trp). This variant is not present in population databases (gnomAD no frequency). This variant has not been reported in the literature in individuals affected with PLCG2-related conditions. An algorithm developed to predict the effect of missense changes on protein structure and function (PolyPhen-2) suggests that this variant is likely to be disruptive. In summary, the available evidence is currently insufficient to determine the role of this variant in disease. Therefore, it has been classified as a Variant of Uncertain Significance.

NM_002661.5(PLCG2):c.3616C>T (p.Arg1206Trp)

Gene: PLCG2 (phospholipase C gamma 2; plus strand). Cytogenetic location: 16q23.3.
Variant type: single nucleotide variant.
Coding change: c.3616C>T on transcript NM_002661.5 (MANE Select); coding-DNA position 3616, C replaced by T.
Protein change: p.Arg1206Trp; replaces arginine 1206 with tryptophan.
Molecular consequence: missense variant.
Genome position (GRCh38, 1-based): chr16:81,956,740, C>T. VCF-style: chr16-81956740-C-T. GRCh37 (hg19) VCF-style: chr16-81990345-C-T.
Other names: c.3616C>T, p.Arg1206Trp (NM_001425749.1, NM_001425750.1, NM_001425751.1); short protein forms R1206W.
Identifiers: ClinVar variation 3671976 (VCV003671976.2).
Genomic context (GRCh38, chr16:81,956,740, plus strand): 5'-CCCTGCATCCTCCAGGAGAGCGAAGAGGAACTTTACTCCTCCTGTCGCCAGCTGAGGAGG[C>T]GGCAAGAAGAACTGAACAACCAGCTCTTTCTGTATGACACACACCAGAACTTGCGCAATG-3'
Protein context (NP_002652.2, residues 1196-1216): LYSSCRQLRR[Arg1206Trp]QEELNNQLFL